The following is an entry in ClinVar:

ClinVar aggregate classification (germline): Pathogenic. Review status: reviewed by expert panel (3 of 4 stars). 11 submissions from 11 submitters: Pathogenic (1). 10 of the submissions do not count toward it. Last evaluated 2016-09-08.

Conditions:
Hereditary breast ovarian cancer syndrome. Also called: Hereditary breast and ovarian cancer syndrome; Hereditary breast and ovarian cancer; Hereditary breast and ovarian cancer syndrome (HBOC); Breast and ovarian cancer; Hereditary breast and/or ovarian cancer syndrome; BRCA1- and BRCA2-Associated Hereditary Breast and Ovarian Cancer. Identifiers: Orphanet 145, MedGen C0677776, MeSH D061325, MONDO:0003582. Disease mechanism: loss of function.
Familial cancer of breast. Also called: BREAST CANCER, FAMILIAL; Hereditary breast cancer; hereditary breast carcinoma. Identifiers: Orphanet 227535, MedGen C0346153, MONDO:0016419, OMIM 114480. Disease mechanism: loss of function.
Hereditary cancer-predisposing syndrome. Also called: Neoplastic Syndromes, Hereditary; Tumor predisposition; Hereditary neoplastic syndrome; Hereditary Cancer Syndrome. Identifiers: Orphanet 140162, MedGen C0027672, MeSH D009386, MONDO:0015356.
Breast-ovarian cancer, familial, susceptibility to, 2 (BROVCA2). Also called: BRCA2 Hereditary Breast and Ovarian Cancer. Identifiers: Orphanet 145, MedGen C2675520, MONDO:0012933, OMIM 612555. Disease mechanism: loss of function.

Submissions (11):

Evidence-based Network for the Interpretation of Germline Mutant Alleles (ENIGMA)
Classification: Pathogenic for Breast-ovarian cancer, familial, susceptibility to, 2. Last evaluated: 2016-09-08. Review status: reviewed by expert panel. Criteria: ENIGMA BRCA1/2 Classification Criteria (2015). Collection method: curation. Allele origin: germline.
Comment: Variant allele predicted to encode a truncated non-functional protein.

Labcorp Genetics (formerly Invitae), Labcorp
Classification: Pathogenic for Hereditary breast ovarian cancer syndrome. Last evaluated: 2025-07-29. Review status: criteria provided, single submitter. Criteria: Invitae Variant Classification Sherloc (09022015). Collection method: clinical testing. Allele origin: germline. Not counted in ClinVar's aggregate classification.
Comment: This sequence change creates a premature translational stop signal (p.Tyr1739*) in the BRCA2 gene. It is expected to result in an absent or disrupted protein product. Loss-of-function variants in BRCA2 are known to be pathogenic (PMID: 20104584). This variant is not present in population databases (gnomAD no frequency). This premature translational stop signal has been observed in individual(s) with prostate cancer, ovarian cancer, or breast cancer (PMID: 9150154, 10717622, 11802209, 12872265, 26681312). This variant is also known as 5445del4. ClinVar contains an entry for this variant (Variation ID: 51820). For these reasons, this variant has been classified as Pathogenic.

Women's Health and Genetics/Laboratory Corporation of America, LabCorp
Classification: Pathogenic for Hereditary breast ovarian cancer syndrome. Last evaluated: 2025-03-26. Review status: criteria provided, single submitter. Criteria: LabCorp Variant Classification Summary - May 2015. Collection method: clinical testing. Allele origin: germline. Not counted in ClinVar's aggregate classification.
Comment: Variant summary: BRCA2 c.5217_5220delTTTA (p.Tyr1739X) results in a premature termination codon, predicted to cause absence of the protein due to nonsense mediated decay, which is a commonly known mechanism for disease. The frequency data for this variant in gnomAD is considered unreliable, as metrics indicate poor data quality at this position. c.5217_5220delTTTA has been reported in the literature in multiple individuals affected with Hereditary Breast And Ovarian Cancer Syndrome (Stuppia_2003, Susswein_2015). These data indicate that the variant is very likely to be associated with disease. To our knowledge, no experimental evidence demonstrating an impact on protein function has been reported. The following publications have been ascertained in the context of this evaluation (PMID: 12872265, 26681312). ClinVar contains an entry for this variant (Variation ID: 51820). Based on the evidence outlined above, the variant was classified as pathogenic.

Ambry Genetics
Classification: Pathogenic for Hereditary cancer-predisposing syndrome. Last evaluated: 2025-02-27. Review status: criteria provided, single submitter. Criteria: Ambry Variant Classification Scheme 2023. Collection method: clinical testing. Allele origin: germline. Not counted in ClinVar's aggregate classification.
Comment: The c.5217_5220delTTTA pathogenic mutation, located in coding exon 10 of the BRCA2 gene, results from a deletion of 4 nucleotides at nucleotide positions 5217 to 5220, causing a translational frameshift with a predicted alternate stop codon (p.Y1739*). This alteration has identified in individuals diagnosed with prostate cancer, ovarian cancer and/or breast cancer (Stuppia L et al. Hum Mutat. 2003 Aug;22(2):178-9; Susswein LR et al. Genet. Med. 2016 Aug;18:823-32; Carter NJ et al. Gynecol Oncol, 2018 12;151:481-488; De Talhouet S et al. Sci Rep, 2020 04;10:7073). This alteration was also identified in a large, worldwide study of BRCA1/2 mutation positive families (Rebbeck TR et al. Hum Mutat, 2018 05;39:593-620). Of note, this alteration is also designated as 5445del4 in published literature. This variant is considered to be rare based on population cohorts in the Genome Aggregation Database (gnomAD). In addition to the clinical data presented in the literature, this alteration is expected to result in loss of function by premature protein truncation or nonsense-mediated mRNA decay. As such, this alteration is interpreted as a disease-causing mutation.

Quest Diagnostics Nichols Institute San Juan Capistrano
Classification: Pathogenic. Last evaluated: 2025-02-27. Review status: criteria provided, single submitter. Criteria: Quest Diagnostics criteria. Collection method: clinical testing. Allele origin: unknown. Not counted in ClinVar's aggregate classification.
Comment: The BRCA2 c.5217_5220del (p.Tyr1739*) variant causes the premature termination of BRCA2 protein synthesis. This variant has been reported in the published literature in individuals with ovarian cancer (PMID: 36612041 (2022), 26681312 (2015), 30322717 (2018)), breast cancer (PMID: 32341426 (2020), 38652475 (2024)), and breast and ovarian cancer (PMID: 39448951 (2024), 33047316 (2021)). This variant has not been reported in large, multi-ethnic general populations (Genome Aggregation Database). Based on the available information, this variant is classified as pathogenic.

GeneDx
Classification: Pathogenic. Last evaluated: 2024-04-23. Review status: criteria provided, single submitter. Criteria: GeneDx Variant Classification Process June 2021. Collection method: clinical testing. Allele origin: germline. Affected: yes. Not counted in ClinVar's aggregate classification.
Comment: Nonsense variant predicted to result in protein truncation or nonsense mediated decay in a gene for which loss-of-function is a known mechanism of disease; Observed in individuals with a personal or family history consistent with pathogenic variants in this gene (PMID: 30322717, 12872265, 32341426); Truncating variants in this gene are considered pathogenic by a well-established clinical consortium and/or database; Not observed at significant frequency in large population cohorts (gnomAD); Also known as 5445_5448delTTTA and 5445del4; This variant is associated with the following publications: (PMID: 12872265, 26681312, 30322717, 31447099, 11802209, 32073954, 33047316, 29446198, 10717622, 9150154, 32341426)

Baylor Genetics
Classification: Pathogenic for Familial cancer of breast. Last evaluated: 2024-03-22. Review status: criteria provided, single submitter. Criteria: ACMG Guidelines, 2015. Collection method: clinical testing. Allele origin: unknown. Not counted in ClinVar's aggregate classification.

Color Diagnostics, LLC DBA Color Health
Classification: Pathogenic for Hereditary cancer-predisposing syndrome. Last evaluated: 2023-04-04. Review status: criteria provided, single submitter. Criteria: ACMG Guidelines, 2015. Collection method: clinical testing. Allele origin: germline. Not counted in ClinVar's aggregate classification.
Comment: This variant deletes 4 nucleotides in exon 11 of the BRCA2 gene, creating a frameshift and premature translation stop signal. This variant is expected to result in an absent or non-functional protein product. This variant has been reported in individuals affected with breast cancer (Color data), ovarian cancer (PMID: 26681312) and prostate cancer (PMID: 12872265). This variant has not been identified in the general population by the Genome Aggregation Database (gnomAD). Loss of BRCA2 function is a known mechanism of disease. Based on the available evidence, this variant is classified as Pathogenic.

Laboratory for Molecular Medicine, Mass General Brigham Personalized Medicine
Classification: Pathogenic for Hereditary breast ovarian cancer syndrome. Last evaluated: 2017-07-20. Review status: criteria provided, single submitter. Criteria: LMM Criteria. Collection method: clinical testing. Allele origin: germline. Inheritance: Autosomal dominant inheritance. Observed: 1 variant allele. Not counted in ClinVar's aggregate classification.
Comment: The p.Tyr1739X variant in BRCA2 has been reported 5 individuals with BRCA2-assoc iated cancers (Stuppia 2003, Susswein 2015, Breast Cancer Information Core (BIC) ). It was also absent from large population studies, though the ability of these studies to accurately detect indels may be limited. This nonsense variant is a result of a deletion of 4 bases, which creates a premature termination codon at position 1739. This alteration is then predicted to lead to a truncated or absen t protein. Heterozygous loss of function of the BRCA2 gene is an established dis ease mechanism in hereditary breast and ovarian cancer (HBOC). In addition, this variant was classified as pathogenic on September 8, 2016 by the ClinGen-approv ed ENIGMA expert panel (ClinVar SCV000300847.2). In summary, this variant meets criteria to be classified as pathogenic for HBOC in an autosomal dominant manner based on predicted impact to the protein and absence from controls.

Consortium of Investigators of Modifiers of BRCA1/2 (CIMBA), c/o University of Cambridge
Classification: Pathogenic for Breast-ovarian cancer, familial, susceptibility to, 2. Last evaluated: 2015-10-02. Review status: criteria provided, single submitter. Criteria: CIMBA Mutation Classification guidelines May 2016. Collection method: clinical testing. Allele origin: germline. Not counted in ClinVar's aggregate classification.

Breast Cancer Information Core (BIC) (BRCA2)
Classification: Pathogenic for Breast-ovarian cancer, familial 2. Last evaluated: 2002-05-29. Review status: no assertion criteria provided. Collection method: clinical testing. Allele origin: germline. Affected: yes. Observed: 3 variant alleles. Not counted in ClinVar's aggregate classification.

Literature cited by the submitters: PubMed 20104584 (cited by Labcorp Genetics (formerly Invitae), Labcorp); PubMed 9150154 (cited by Labcorp Genetics (formerly Invitae), Labcorp); PubMed 10717622 (cited by Labcorp Genetics (formerly Invitae), Labcorp); PubMed 11802209 (cited by Labcorp Genetics (formerly Invitae), Labcorp); PubMed 12872265 (cited by 5 submitters); PubMed 26681312 (cited by 6 submitters); PubMed 29446198 (cited by Ambry Genetics and Quest Diagnostics Nichols Institute San Juan Capistrano); PubMed 30322717 (cited by Ambry Genetics and Quest Diagnostics Nichols Institute San Juan Capistrano); PubMed 32341426 (cited by Ambry Genetics and Quest Diagnostics Nichols Institute San Juan Capistrano); PubMed 36612041 (cited by Quest Diagnostics Nichols Institute San Juan Capistrano); PubMed 39448951 (cited by Quest Diagnostics Nichols Institute San Juan Capistrano); PubMed 33047316 (cited by Quest Diagnostics Nichols Institute San Juan Capistrano); PubMed 38652475 (cited by Quest Diagnostics Nichols Institute San Juan Capistrano).

NM_000059.4(BRCA2):c.5217_5220del (p.Thr1738_Tyr1739insTer)

Gene: BRCA2 (BRCA2 DNA repair associated; plus strand). Cytogenetic location: 13q13.1.
Variant type: Deletion.
Coding change: c.5217_5220del on transcript NM_000059.4 (MANE Select); coding-DNA positions 5217 to 5220, 4 bases deleted (TTTA; older notation c.5217_5220delTTTA).
Protein change: p.Thr1738_Tyr1739insTer.
Molecular consequence: nonsense.
Genome position (GRCh38, 1-based): chr13:32,339,572-32,339,575, TTTA deleted; deleting any 4 consecutive bases within chr13:32,339,569-32,339,575 gives the same sequence; the c. name uses the placement nearest the transcript's 3' end. VCF-style (leftmost placement, unchanged base first): chr13-32339568-CTTAT-C. GRCh37 (hg19) VCF-style: chr13-32913705-CTTAT-C.
Other names: 5445del4; c.5217_5220delTTTA (NM_000059.3).
Identifiers: ClinVar variation 51820 (VCV000051820.33), dbSNP rs80359494, ClinGen allele CA021722.